The following is an entry in ClinVar:

NM_001190274.2(FBXO11):c.442+3A>G

Gene: FBXO11 (F-box protein 11; minus strand). Cytogenetic location: 2p16.3.
Variant type: single nucleotide variant.
Coding change: c.442+3A>G on transcript NM_001190274.2 (MANE Select); 3 bases into the intron after coding-DNA position 442, A replaced by G.
Molecular consequence: intron variant.
Genome position (GRCh38, 1-based): chr2:47,839,416, T>C on the plus strand (A>G on the coding strand, the complement: FBXO11 is on the minus strand). VCF-style: chr2-47839416-T-C. GRCh37 (hg19) VCF-style: chr2-48066555-T-C.
Other names: c.190+3A>G (NM_001374325.1, NM_025133.4).
Identifiers: ClinVar variation 2756341 (VCV002756341.3), dbSNP rs2531259501, ClinGen allele CA2510902254.
Genomic context (GRCh38, chr2:47,839,416, plus strand): 5'-TGGTATCAAGCAAAATTAAAAAAAATTATTTTACCCTATTTGTTACTTTCCCACAGGAAA[T>C]ACCTGATAGATCTTGTGATTTTCCAGACACTCTTGCACGTTTTGCACGATGACCAAAGTT-3'

ClinVar aggregate classification (germline): Pathogenic (1 of 4 stars; one submission).

Submission:

Labcorp Genetics (formerly Invitae), Labcorp
Classification: Pathogenic. Last evaluated: 2023-10-18. Review status: criteria provided, single submitter. Criteria: Invitae Variant Classification Sherloc (09022015). Collection method: clinical testing. Allele origin: germline.
Comment: This sequence change falls in intron 3 of the FBXO11 gene. It does not directly change the encoded amino acid sequence of the FBXO11 protein. It affects a nucleotide within the consensus splice site. This variant is not present in population databases (gnomAD no frequency). This variant has been observed in individual(s) with clinical features of FBXO11-related neurodevelopmental disorder (Invitae). In at least one individual the variant was observed to be de novo. Variants that disrupt the consensus splice site are a relatively common cause of aberrant splicing (PMID: 17576681, 9536098). Algorithms developed to predict the effect of sequence changes on RNA splicing suggest that this variant may disrupt the consensus splice site. For these reasons, this variant has been classified as Pathogenic.

Literature cited by the submitters: PubMed 17576681; PubMed 9536098.